The following is an entry in ClinVar:

NM_001374504.1(TMPRSS6):c.208A>T (p.Lys70Ter)

Gene: TMPRSS6 (transmembrane serine protease 6; minus strand). Cytogenetic location: 22q12.3.
Variant type: single nucleotide variant.
Coding change: c.208A>T on transcript NM_001374504.1 (MANE Select); coding-DNA position 208, A replaced by T.
Protein change: p.Lys70Ter; replaces lysine 70 with a stop codon.
Molecular consequence: nonsense.
Genome position (GRCh38, 1-based): chr22:37,098,544, T>A on the plus strand (A>T on the coding strand, the complement: TMPRSS6 is on the minus strand). VCF-style: chr22-37098544-T-A. GRCh37 (hg19) VCF-style: chr22-37494584-T-A.
Other names: c.208A>T, p.Lys70Ter (NM_001289000.2, NM_001289001.2, NM_153609.4); short protein forms K70*.
Identifiers: ClinVar variation 4056834 (VCV004056834.2).

ClinVar aggregate classification (germline): Likely pathogenic. Review status: criteria provided, multiple submitters, no conflicts (2 of 4 stars). 2 submissions from 2 submitters: Likely pathogenic (2). Last evaluated 2025-01-08.

Conditions:
TMPRSS6-related disorder. Also called: TMPRSS6-related condition.

gnomAD v4.1: 5 of 1,614,148 alleles (0.00031%); highest among the groups gnomAD compares: Non-Finnish European, 0.00034%; no homozygotes.

Submissions (2):

GeneDx
Classification: Likely pathogenic. Last evaluated: 2025-01-08. Review status: criteria provided, single submitter. Criteria: GeneDx Variant Classification Process June 2021. Collection method: clinical testing. Allele origin: germline. Affected: yes.
Comment: Nonsense variant predicted to result in protein truncation or nonsense mediated decay in a gene for which loss of function is a known mechanism of disease; Not observed at significant frequency in large population cohorts (gnomAD); Identified in an individual with congenital iron deficiency/anemia (PMID: 29895660); This variant is associated with the following publications: (PMID: 29895660)

Blueprint Genetics
Classification: Likely pathogenic for TMPRSS6-related disorders. Last evaluated: 2023-03-27. Review status: criteria provided, single submitter. Criteria: ACMG Guidelines, 2015. Collection method: clinical testing. Allele origin: germline. Affected: yes. Observed: 3 variant alleles.